The following is an entry in ClinVar:

ClinVar aggregate classification (germline): Pathogenic (1 of 4 stars; one submission).

Conditions:
Epilepsy, X-linked 1, with variable learning disabilities and behavior disorders. Also called: X-linked epilepsy-learning disabilities-behavior disorders syndrome. Identifiers: Orphanet 85294, MedGen C5774177, MONDO:0010339, OMIM 300491.

Submission:

Labcorp Genetics (formerly Invitae), Labcorp
Classification: Pathogenic for Epilepsy, X-linked 1, with variable learning disabilities and behavior disorders. Last evaluated: 2020-07-02. Review status: criteria provided, single submitter. Criteria: Invitae Variant Classification Sherloc (09022015). Collection method: clinical testing. Allele origin: germline.
Comment: For these reasons, this variant has been classified as Pathogenic. Loss-of-function variants in SYN1 are known to be pathogenic (PMID: 14985377, 21441247). This variant has not been reported in the literature in individuals with SYN1-related conditions. This variant is not present in population databases (ExAC no frequency). This sequence change creates a premature translational stop signal (p.Gln145Glyfs*5) in the SYN1 gene. It is expected to result in an absent or disrupted protein product.

Literature cited by the submitters: PubMed 14985377; PubMed 21441247.

NM_006950.3(SYN1):c.433_434del (p.Gln145fs)

Gene: SYN1 (synapsin I; minus strand). Cytogenetic location: Xp11.23.
Variant type: Deletion.
Coding change: c.433_434del on transcript NM_006950.3 (MANE Select); coding-DNA positions 433 to 434, 2 bases deleted (CA; older notation c.433_434delCA).
Protein change: p.Gln145fs; shifts the reading frame from glutamine 145.
Molecular consequence: frameshift variant.
Genome position (GRCh38, 1-based): chrX:47,607,142-47,607,143, TG deleted on the plus strand (CA on the coding strand, the reverse complement: SYN1 is on the minus strand); deleting any 2 consecutive bases within chrX:47,607,142-47,607,144 gives the same sequence; the c. name uses the placement nearest the transcript's 3' end. VCF-style (leftmost placement, unchanged base first): chrX-47607141-CTG-C. GRCh37 (hg19) VCF-style: chrX-47466540-CTG-C.
Other names: c.433_434del, p.Gln145fs (NM_133499.2); short protein forms Q145fs.
Identifiers: ClinVar variation 1074864 (VCV001074864.7), dbSNP rs2147928664, ClinGen allele CA2499226740.
Genomic context (GRCh38, chrX:47,607,141, plus strand): 5'-AATGGCCACTCAGTTTGCAGTATGGACAACTGACCCCCAGGTCCAAATGTCCCAACTTAC[CTG>C]TTCTACTTTAATGTCAATTTCTCCATGGATCTTTTTCCCTTTGAAGTATTTTGCCCTGGA-3'